The following is an entry in ClinVar:

ClinVar aggregate classification (germline): Uncertain significance. Review status: criteria provided, multiple submitters, no conflicts (2 of 4 stars). 2 submissions from 2 submitters: Uncertain significance (2). Last evaluated 2026-08-06.

Conditions:
Pigmentary pallidal degeneration (NBIA1). Also called: Neuroaxonal dystrophy, late infantile; Hallervorden-Spatz disease; Neurodegeneration with brain iron accumulation 1; PKAN NEUROAXONAL DYSTROPHY, JUVENILE-ONSET; Pantothenate Kinase-Associated Neurodegeneration; HARP SYNDROME. Identifiers: Orphanet 157850, MedGen C0018523, MONDO:0009319, OMIM 234200.

Allele frequency attached by ClinVar (database versions not stated): ExAC 0.00001; gnomAD 0.00001; gnomAD exomes below 0.00001.
gnomAD v4.1: 3 of 1,596,400 alleles (0.00019%); highest among the groups gnomAD compares: Admixed American, 0.0017%; no homozygotes.

Submissions (2):

OLLIN Analises Genomicas, OLLIN
Classification: Uncertain significance for Pigmentary pallidal degeneration. Last evaluated: 2026-08-06. Review status: criteria provided, single submitter. Criteria: ACMG Guidelines 2015 PMID 25741868. Collection method: clinical testing. Allele origin: germline. Inheritance: Autosomal recessive inheritance.
Comment: This missense variant, located in exon 1 (of 7), has been reported in ClinVar (accession VCV001410333.3) and in gnomAD with an allele frequency of 0.00019%. However, to our knowledge, it has not been reported in the scientific literature. In silico analysis is inconclusive regarding the impact of this variant. This gene is constrained for missense variation. According to the currently available evidence, this variant has been classified as uncertain significance (PM2_P, PP2).

Labcorp Genetics (formerly Invitae), Labcorp
Classification: Uncertain significance for Pigmentary pallidal degeneration. Last evaluated: 2021-12-02. Review status: criteria provided, single submitter. Criteria: Invitae Variant Classification Sherloc (09022015). Collection method: clinical testing. Allele origin: germline.
Comment: This sequence change replaces glutamic acid, which is acidic and polar, with glycine, which is neutral and non-polar, at codon 202 of the PANK2 protein (p.Glu202Gly). This variant is present in population databases (rs775816922, gnomAD 0.003%). This variant has not been reported in the literature in individuals affected with PANK2-related conditions. Algorithms developed to predict the effect of missense changes on protein structure and function (SIFT, PolyPhen-2, Align-GVGD) all suggest that this variant is likely to be tolerated. In summary, the available evidence is currently insufficient to determine the role of this variant in disease. Therefore, it has been classified as a Variant of Uncertain Significance.

NM_001386393.1(PANK2):c.275A>G (p.Glu92Gly)

Genes: PANK2 (pantothenate kinase 2; plus strand), LOC130065345 (ATAC-STARR-seq lymphoblastoid silent region 12635; plus strand). Cytogenetic location: 20p13.
Variant type: single nucleotide variant.
Coding change: c.275A>G on transcript NM_001386393.1 (MANE Select); coding-DNA position 275, A replaced by G.
Protein change: p.Glu92Gly; replaces glutamic acid 92 with glycine.
Molecular consequence: missense variant. On other transcripts: 5 prime UTR variant (1), non-coding transcript variant (1), intron variant (1).
Genome position (GRCh38, 1-based): chr20:3,889,705, A>G. VCF-style: chr20-3889705-A-G. GRCh37 (hg19) VCF-style: chr20-3870352-A-G.
Other names: c.-437A>G (NM_001324191.2); c.605A>G, p.Glu202Gly (NM_001324192.1, NM_153638.4); c.-246+801A>G (NM_024960.6); short protein forms E202G, E92G.
Identifiers: ClinVar variation 1410333 (VCV001410333.4), dbSNP rs775816922, ClinGen allele CA9750612.